The following is an entry in ClinVar:

NM_001927.4(DES):c.924C>T (p.Asn308=)

Gene: DES (desmin; plus strand). Cytogenetic location: 2q35.
Variant type: single nucleotide variant.
Coding change: c.924C>T on transcript NM_001927.4 (MANE Select); coding-DNA position 924, C replaced by T.
Protein change: p.Asn308=; no amino-acid change (asparagine 308 retained).
Molecular consequence: synonymous variant.
Genome position (GRCh38, 1-based): chr2:219,420,854, C>T. VCF-style: chr2-219420854-C-T. GRCh37 (hg19) VCF-style: chr2-220285576-C-T.
Other names: c.924C>T (LRG_380t1).
Identifiers: ClinVar variation 283467 (VCV000283467.36), dbSNP rs578191306, ClinGen allele CA2125188.
Genomic context (GRCh38, chr2:219,420,854, plus strand): 5'-CTTCTCATTTTTGGGCCCCTTTCTCTGCCCTTAGGTGTCAGACCTGACCCAGGCAGCCAA[C>T]AAGAACAACGACGCCCTGCGCCAGGCCAAGCAGGAGATGATGGAATACCGACACCAGATC-3'
Protein context (NP_001918.3, residues 298-318): SKVSDLTQAA[Asn308=]KNNDALRQAK

ClinVar aggregate classification (germline): Conflicting classifications of pathogenicity. Review status: criteria provided, conflicting classifications (1 of 4 stars). 13 submissions from 11 submitters: Uncertain significance (3); Benign (3); Likely benign (4). 3 of the submissions do not count toward it. Last evaluated 2026-01-26.

Conditions:
DES-related disorder. Also called: DES-related condition.
Cardiovascular phenotype. Identifiers: MedGen CN230736.
Desmin-related myofibrillar myopathy (MFM1). Also called: Myofibrillar myopathy 1; Desmin related myopathy (former name); Desmin storage myopathy (former name); Desminopathy; MYOFIBRILLAR MYOPATHY WITH ARRHYTHMOGENIC RIGHT VENTRICULAR CARDIOMYOPATHY; DESMIN-RELATED MYOPATHY WITH ARRHYTHMOGENIC RIGHT VENTRICULAR CARDIOMYOPATHY. Identifiers: Orphanet 363543, Orphanet 98909, MedGen C1832370, MONDO:0011076, OMIM 601419.
Dilated cardiomyopathy 1I (CMD1I). Identifiers: Orphanet 154, MedGen C1858154, MONDO:0011482, OMIM 604765.
Neurogenic scapuloperoneal syndrome, Kaeser type (SCPNK). Also called: KAESER SYNDROME. Identifiers: Orphanet 85146, MedGen C1867005, MONDO:0008407, OMIM 181400.

Allele frequency attached by ClinVar (database versions not stated): TOPMed 0.00003; gnomAD exomes 0.00030; 1000 Genomes Project 30x 0.00031; 1000 Genomes Project 0.00040.
gnomAD v4.1: 246 of 1,613,808 alleles (0.015%); highest among the groups gnomAD compares: South Asian, 0.24%; 3 homozygotes.

Submissions (13):

Labcorp Genetics (formerly Invitae), Labcorp
Classification: Benign for Desmin-related myofibrillar myopathy. Last evaluated: 2026-01-26. Review status: criteria provided, single submitter. Criteria: Invitae Variant Classification Sherloc (09022015). Collection method: clinical testing. Allele origin: germline.

Molecular Diagnostic Laboratory for Inherited Cardiovascular Disease, Montreal Heart Institute
Classification: Likely benign. Last evaluated: 2025-04-09. Review status: criteria provided, single submitter. Criteria: ACMG Guidelines, 2015. Collection method: clinical testing. Allele origin: germline. Affected: no.

Blueprint Genetics
Classification: Likely benign. Last evaluated: 2023-12-19. Review status: criteria provided, single submitter. Criteria: ACMG Guidelines, 2015. Collection method: clinical testing. Allele origin: germline.

Women's Health and Genetics/Laboratory Corporation of America, LabCorp
Classification: Benign. Last evaluated: 2023-08-19. Review status: criteria provided, single submitter. Criteria: LabCorp Variant Classification Summary - May 2015. Collection method: clinical testing. Allele origin: germline.

GeneDx
Classification: Likely benign. Last evaluated: 2021-04-23. Review status: criteria provided, single submitter. Criteria: GeneDx Variant Classification Process June 2021. Collection method: clinical testing. Allele origin: germline. Affected: yes.

Ambry Genetics
Classification: Likely benign for Cardiovascular phenotype. Last evaluated: 2019-05-10. Review status: criteria provided, single submitter. Criteria: Ambry Variant Classification Scheme 2023. Collection method: clinical testing. Allele origin: germline.

Illumina Laboratory Services, Illumina
Classification: Uncertain significance for Myofibrillar myopathy 1. Last evaluated: 2018-01-12. Review status: criteria provided, single submitter. Criteria: ICSL Variant Classification Criteria 13 December 2019. Collection method: clinical testing. Allele origin: germline.

Illumina Laboratory Services, Illumina
Classification: Benign for Neurogenic scapuloperoneal syndrome, Kaeser type. Last evaluated: 2018-01-12. Review status: criteria provided, single submitter. Criteria: ICSL Variant Classification Criteria 13 December 2019. Collection method: clinical testing. Allele origin: germline.
Comment: This variant was observed in the ICSL laboratory as part of a predisposition screen in an ostensibly healthy population. It had not been previously curated by ICSL or reported in the Human Gene Mutation Database (HGMD: prior to June 1st, 2018), and was therefore a candidate for classification through an automated scoring system. Utilizing variant allele frequency, disease prevalence and penetrance estimates, and inheritance mode, an automated score was calculated to assess if this variant is too frequent to cause the disease. Based on the score and internal cut-off values, a variant classified as benign is not then subjected to further curation. The score for this variant resulted in a classification of benign for this disease.

Illumina Laboratory Services, Illumina
Classification: Uncertain significance for Dilated cardiomyopathy 1I. Last evaluated: 2018-01-12. Review status: criteria provided, single submitter. Criteria: ICSL Variant Classification Criteria 13 December 2019. Collection method: clinical testing. Allele origin: germline.

Eurofins Ntd Llc (ga)
Classification: Uncertain significance. Last evaluated: 2015-09-22. Review status: criteria provided, single submitter. Criteria: EGL Classification Definitions 2015. Collection method: clinical testing. Allele origin: germline. Observed: 2 variant alleles, 2 heterozygotes.

PreventionGenetics, part of Exact Sciences
Classification: Likely benign for DES-related condition. Last evaluated: 2020-09-04. Review status: no assertion criteria provided. Collection method: clinical testing. Allele origin: germline. Not counted in ClinVar's aggregate classification.
Comment: This variant is classified as likely benign based on ACMG/AMP sequence variant interpretation guidelines (Richards et al. 2015 PMID: 25741868, with internal and published modifications).

Clinical Genetics DNA and cytogenetics Diagnostics Lab, Erasmus MC, Erasmus Medical Center
Classification: Likely benign. Review status: no assertion criteria provided. Collection method: clinical testing. Allele origin: germline. Affected: yes. Study: VKGL Data-share Consensus. Not counted in ClinVar's aggregate classification.

Clinical Genetics, Academic Medical Center
Classification: Benign. Review status: no assertion criteria provided. Collection method: clinical testing. Allele origin: germline. Affected: yes. Study: VKGL Data-share Consensus. Not counted in ClinVar's aggregate classification.